The following is an entry in ClinVar:

ClinVar aggregate classification (germline): Uncertain significance (1 of 4 stars; one submission).

Allele frequency attached by ClinVar (database versions not stated): gnomAD exomes 0.00001.
gnomAD v4.1: 3 of 1,614,136 alleles (0.00019%); highest among the groups gnomAD compares: Non-Finnish European, 0.00025%; no homozygotes.

Submission:

Labcorp Genetics (formerly Invitae), Labcorp
Classification: Uncertain significance. Last evaluated: 2022-02-17. Review status: criteria provided, single submitter. Criteria: Invitae Variant Classification Sherloc (09022015). Collection method: clinical testing. Allele origin: germline.
Comment: In summary, the available evidence is currently insufficient to determine the role of this variant in disease. Therefore, it has been classified as a Variant of Uncertain Significance. Algorithms developed to predict the effect of missense changes on protein structure and function (SIFT, PolyPhen-2, Align-GVGD) all suggest that this variant is likely to be tolerated. This variant has not been reported in the literature in individuals affected with MYO6-related conditions. This variant is not present in population databases (gnomAD no frequency). This sequence change replaces glutamine, which is neutral and polar, with glutamic acid, which is acidic and polar, at codon 1248 of the MYO6 protein (p.Gln1248Glu).

NM_004999.4(MYO6):c.3742C>G (p.Gln1248Glu)

Gene: MYO6 (myosin VI; plus strand). Cytogenetic location: 6q14.1.
Variant type: single nucleotide variant.
Coding change: c.3742C>G on transcript NM_004999.4 (MANE Select); coding-DNA position 3742, C replaced by G.
Protein change: p.Gln1248Glu; replaces glutamine 1248 with glutamic acid.
Molecular consequence: missense variant. On other transcripts: non-coding transcript variant (1).
Genome position (GRCh38, 1-based): chr6:75,914,896, C>G. VCF-style: chr6-75914896-C-G. GRCh37 (hg19) VCF-style: chr6-76624613-C-G.
Other names: c.3673C>G, p.Gln1225Glu (NM_001300899.2); c.3646C>G, p.Gln1216Glu (NM_001368136.1); c.3703C>G, p.Gln1235Glu (NM_001368137.1); c.3658C>G, p.Gln1220Glu (NM_001368138.1); c.3769C>G, p.Gln1257Glu (NM_001368865.1); c.3742C>G, p.Gln1248Glu (NM_001368866.1); short protein forms Q1216E, Q1225E, Q1257E, Q1248E, Q1220E, Q1235E.
Identifiers: ClinVar variation 2097901 (VCV002097901.4), dbSNP rs2535818206, ClinGen allele CA364763011.